The following is an entry in ClinVar:

NM_004995.4(MMP14):c.1451G>A (p.Trp484Ter)

Gene: MMP14 (matrix metallopeptidase 14; plus strand). Cytogenetic location: 14q11.2.
Variant type: single nucleotide variant.
Coding change: c.1451G>A on transcript NM_004995.4 (MANE Select); coding-DNA position 1451, G replaced by A.
Protein change: p.Trp484Ter; replaces tryptophan 484 with a stop codon.
Molecular consequence: nonsense.
Genome position (GRCh38, 1-based): chr14:22,845,741, G>A. VCF-style: chr14-22845741-G-A. GRCh37 (hg19) VCF-style: chr14-23314950-G-A.
Other names: short protein forms W484*.
Identifiers: ClinVar variation 2742751 (VCV002742751.3), dbSNP rs2502071822, ClinGen allele CA388934482.

ClinVar aggregate classification (germline): Uncertain significance (1 of 4 stars; one submission).

Submission:

Labcorp Genetics (formerly Invitae), Labcorp
Classification: Uncertain significance. Last evaluated: 2024-10-17. Review status: criteria provided, single submitter. Criteria: Invitae Variant Classification Sherloc (09022015). Collection method: clinical testing. Allele origin: germline.
Comment: This sequence change creates a premature translational stop signal (p.Trp484*) in the MMP14 gene. While this is not anticipated to result in nonsense mediated decay, it is expected to disrupt the last 99 amino acid(s) of the MMP14 protein. This variant is not present in population databases (gnomAD no frequency). This variant has not been reported in the literature in individuals affected with MMP14-related conditions. In summary, the available evidence is currently insufficient to determine the role of this variant in disease. Therefore, it has been classified as a Variant of Uncertain Significance.